The following is an entry in ClinVar:

NM_001099922.3(ALG13):c.2797CCT[11] (p.Pro944_Pro945del)

Gene: ALG13 (ALG13 UDP-N-acetylglucosaminyltransferase subunit; plus strand). Cytogenetic location: Xq23.
Variant type: Microsatellite.
Coding change: c.2797CCT[11] on transcript NM_001099922.3 (MANE Select); 11 copies in a row of the 3-base unit CCT starting at c.2797; the reference has 13 copies in a row; two copies, 6 bases deleted.
Protein change: p.Pro944_Pro945del.
Molecular consequence: inframe deletion. On other transcripts: intron variant (5).
Genome position (GRCh38, 1-based): chrX:111,744,802-111,744,807, CCTCCT deleted; deleting any 6 consecutive bases within chrX:111,744,769-111,744,807 gives the same sequence; the position shown is the placement nearest the transcript's 3' end. VCF-style (leftmost placement, unchanged base first): chrX-111744768-ACCTCCT-A. GRCh37 (hg19) VCF-style: chrX-110987996-ACCTCCT-A.
Other names: c.2563_2568del (NM_001257231.1); c.2563CCT[11], p.Pro866_Pro867del (NM_001257231.2); c.2383+7890CCT[11] (NM_001257237.2, NM_001257234.2, NM_001257230.2); c.2209+7890CCT[11] (NM_001324293.1); c.2695+7890CCT[11] (NM_001324292.2); c.2830_2835delCCTCCT (NM_001099922.2).
Identifiers: ClinVar variation 238294 (VCV000238294.40), dbSNP rs56717389, ClinGen allele CA10493981.

ClinVar aggregate classification (germline): Conflicting classifications of pathogenicity. Review status: criteria provided, conflicting classifications (1 of 4 stars). 4 submissions from 4 submitters: Uncertain significance (1); Benign (1); Likely benign (2). Last evaluated 2026-01-31.

Conditions:
Developmental and epileptic encephalopathy, 36 (DEE36). Also called: Epileptic encephalopathy, early infantile, 36; ALG13-CDG; Congenital disorder of glycosylation, type Is. Identifiers: Orphanet 324422, MedGen C4317295, MONDO:0010472, OMIM 300884.

Submissions (4):

Labcorp Genetics (formerly Invitae), Labcorp
Classification: Benign for Developmental and epileptic encephalopathy, 36. Last evaluated: 2026-01-31. Review status: criteria provided, single submitter. Criteria: Invitae Variant Classification Sherloc (09022015). Collection method: clinical testing. Allele origin: germline.

Blueprint Genetics
Classification: Likely benign. Last evaluated: 2024-11-20. Review status: criteria provided, single submitter. Criteria: ACMG Guidelines, 2015. Collection method: clinical testing. Allele origin: germline.

CeGaT Center for Human Genetics Tuebingen
Classification: Likely benign. Last evaluated: 2024-04-01. Review status: criteria provided, single submitter. Criteria: CeGaT Center For Human Genetics Tuebingen Variant Classification Criteria Version 2. Collection method: clinical testing. Allele origin: germline. Affected: yes. Observed: 2 variant alleles.
Comment: ALG13: BS2

Genomic Research Center, Shahid Beheshti University of Medical Sciences
Classification: Uncertain significance for Developmental and epileptic encephalopathy, 36. Last evaluated: 2017-12-18. Review status: criteria provided, single submitter. Criteria: ACMG Guidelines, 2015. Collection method: clinical testing. Allele origin: inherited.